The following is an entry in ClinVar:

NM_002249.6(KCNN3):c.200AGC[16] (p.Gln79_Gln80dup)

Gene: KCNN3 (potassium calcium-activated channel subfamily N member 3; minus strand). Cytogenetic location: 1q21.3.
Variant type: Microsatellite.
Coding change: c.200AGC[16] on transcript NM_002249.6 (MANE Select); 16 copies in a row of the 3-base unit AGC starting at c.200; the reference has 14 copies in a row; two copies, 6 bases duplicated.
Protein change: p.Gln79_Gln80dup.
Molecular consequence: inframe insertion.
Genome position (GRCh38, 1-based): chr1:154,869,724-154,869,729, GCTGCT duplicated on the plus strand (AGCAGC on the coding strand, the reverse complement: KCNN3 is on the minus strand); duplicating any 6 consecutive bases within chr1:154,869,724-154,869,766 gives the same sequence; the position shown is the placement nearest the transcript's 3' end. VCF-style (leftmost placement, unchanged base first): chr1-154869723-G-GGCTGCT. GRCh37 (hg19) VCF-style: chr1-154842199-G-GGCTGCT.
Other names: c.236_241dup6 (NM_001204087.1); c.241_242insAGCAGC (NM_001204087.1); c.200AGC[16], p.Gln79_Gln80dup (NM_001204087.2).
Identifiers: ClinVar variation 682032 (VCV000682032.9), dbSNP rs3831942, ClinGen allele CA30842229.

ClinVar aggregate classification (germline): Benign/Likely benign. Review status: criteria provided, multiple submitters, no conflicts (2 of 4 stars). 6 submissions from 6 submitters: Benign (2); Likely benign (2). 2 of the submissions do not count toward it. Last evaluated 2025-02-16.

Conditions:
Pyloric stenosis. Also called: Pyloric stenosis (disease). Identifiers: MedGen C0034194, MONDO:0001561.
Esophageal atresia. Also called: Esophageal atresia (disease). Identifiers: MedGen C0014850, MeSH D004933, MONDO:0001044, HP:0002032.
KCNN3-related disorder. Also called: KCNN3-related condition.

Submissions (6):

Laboratory of Genetics, Children's Clinical University Hospital Latvia
Classification: Benign. Last evaluated: 2025-02-16. Review status: criteria provided, single submitter. Criteria: ACMG Guidelines, 2015. Collection method: clinical testing. Allele origin: germline. Affected: yes.

Blueprint Genetics
Classification: Likely benign. Last evaluated: 2024-11-26. Review status: criteria provided, single submitter. Criteria: ACMG Guidelines, 2015. Collection method: clinical testing. Allele origin: germline.

Mendelics
Classification: Benign. Last evaluated: 2022-05-04. Review status: criteria provided, single submitter. Criteria: Mendelics Assertion Criteria 2019. Collection method: clinical testing. Allele origin: germline.

GeneDx
Classification: Likely benign. Last evaluated: 2018-04-10. Review status: criteria provided, single submitter. Criteria: GeneDx Variant Classification (06012015). Collection method: clinical testing. Allele origin: germline. Affected: yes.
Comment: This variant is considered likely benign or benign based on one or more of the following criteria: it is a conservative change, it occurs at a poorly conserved position in the protein, it is predicted to be benign by multiple in silico algorithms, and/or has population frequency not consistent with disease.

PreventionGenetics, part of Exact Sciences
Classification: Likely benign for KCNN3-related condition. Last evaluated: 2023-06-14. Review status: no assertion criteria provided. Collection method: clinical testing. Allele origin: germline. Not counted in ClinVar's aggregate classification.
Comment: This variant is classified as likely benign based on ACMG/AMP sequence variant interpretation guidelines (Richards et al. 2015 PMID: 25741868, with internal and published modifications).

Clinical Genetics, Erasmus University Medical Center
Classification: Uncertain significance for Esophageal atresia; Congenital hypertrophic pyloric stenosis. Last evaluated: 2019-05-22. Review status: no assertion criteria provided. Collection method: research. Allele origin: inherited. Affected: yes. Not counted in ClinVar's aggregate classification.